The following is an entry in ClinVar:

ClinVar aggregate classification (germline): Uncertain significance (1 of 4 stars; one submission).

Conditions:
Familial thoracic aortic aneurysm and aortic dissection (TAAD). Also called: Thoracic aortic aneurysms and dissections. Identifiers: Orphanet 91387, MedGen C4707243, MONDO:0019625.

Submission:

Ambry Genetics
Classification: Uncertain significance for Familial thoracic aortic aneurysm and aortic dissection. Last evaluated: 2025-01-04. Review status: criteria provided, single submitter. Criteria: Ambry Variant Classification Scheme 2023. Collection method: clinical testing. Allele origin: germline.
Comment: The p.L1629P variant (also known as c.4886T>C), located in coding exon 33 of the MYH11 gene, results from a T to C substitution at nucleotide position 4886. The leucine at codon 1629 is replaced by proline, an amino acid with similar properties. This amino acid position is conserved. In addition, this alteration is predicted to be deleterious by in silico analysis. Based on the available evidence, the clinical significance of this variant remains unclear.

NM_002474.3(MYH11):c.4886T>C (p.Leu1629Pro)

Genes: NDE1 (nudE neurodevelopment protein 1; plus strand), MYH11 (myosin heavy chain 11; minus strand). Cytogenetic location: 16p13.11.
Variant type: single nucleotide variant.
Coding change: c.4886T>C on transcript NM_002474.3 (MANE Select); coding-DNA position 4886, T replaced by C.
Protein change: p.Leu1629Pro; replaces leucine 1629 with proline.
Molecular consequence: missense variant. On other transcripts: intron variant (2).
Genome position (GRCh38, 1-based): chr16:15,720,218, A>G on the plus strand (T>C on the coding strand, the complement: MYH11 is on the minus strand). VCF-style: chr16-15720218-A-G. GRCh37 (hg19) VCF-style: chr16-15814075-A-G.
Other names: c.4907T>C, p.Leu1636Pro (NM_001040113.2, NM_001040114.2); c.4886T>C, p.Leu1629Pro (NM_022844.3); c.948-3973A>G (NM_001143979.2, NM_017668.3); short protein forms L1636P, L1629P.
Identifiers: ClinVar variation 3876293 (VCV003876293.1).